The following is an entry in ClinVar:

NM_006996.3(SLC19A2):c.400G>A (p.Ala134Thr)

Gene: SLC19A2 (solute carrier family 19 member 2; minus strand). Cytogenetic location: 1q24.2.
Variant type: single nucleotide variant.
Coding change: c.400G>A on transcript NM_006996.3 (MANE Select); coding-DNA position 400, G replaced by A.
Protein change: p.Ala134Thr; replaces alanine 134 with threonine.
Molecular consequence: missense variant. On other transcripts: intron variant (1).
Genome position (GRCh38, 1-based): chr1:169,477,562, C>T on the plus strand (G>A on the coding strand, the complement: SLC19A2 is on the minus strand). VCF-style: chr1-169477562-C-T. GRCh37 (hg19) VCF-style: chr1-169446800-C-T.
Other names: c.205-7376G>A (NM_001319667.1); short protein forms A134T.
Identifiers: ClinVar variation 1933580 (VCV001933580.3), dbSNP rs754670783, ClinGen allele CA1233078.

ClinVar aggregate classification (germline): Uncertain significance. Review status: criteria provided, multiple submitters, no conflicts (2 of 4 stars). 2 submissions from 2 submitters: Uncertain significance (2). Last evaluated 2024-06-14.

Conditions:
Megaloblastic anemia, thiamine-responsive, with diabetes mellitus and sensorineural deafness (TRMA). Also called: Thiamine-Responsive Megaloblastic Anemia Syndrome; ROGERS SYNDROME; THIAMINE-RESPONSIVE ANEMIA SYNDROME; THIAMINE-RESPONSIVE MYELODYSPLASIA; THIAMINE METABOLISM DYSFUNCTION SYNDROME 1 (MEGALOBLASTIC ANEMIA, DIABETES MELLITUS, AND DEAFNESS TYPE). Identifiers: Orphanet 49827, MedGen C0342287, MONDO:0009575, OMIM 249270.

Allele frequency attached by ClinVar (database versions not stated): TOPMed below 0.00001; gnomAD 0.00001; gnomAD exomes 0.00001.

Submissions (2):

Fulgent Genetics
Classification: Uncertain significance for Megaloblastic anemia, thiamine-responsive, with diabetes mellitus and sensorineural deafness. Last evaluated: 2024-06-14. Review status: criteria provided, single submitter. Criteria: ACMG Guidelines, 2015. Collection method: clinical testing. Allele origin: germline.

Labcorp Genetics (formerly Invitae), Labcorp
Classification: Uncertain significance. Last evaluated: 2022-06-20. Review status: criteria provided, single submitter. Criteria: Invitae Variant Classification Sherloc (09022015). Collection method: clinical testing. Allele origin: germline.
Comment: This sequence change replaces alanine, which is neutral and non-polar, with threonine, which is neutral and polar, at codon 134 of the SLC19A2 protein (p.Ala134Thr). This variant is present in population databases (rs754670783, gnomAD 0.0009%). This variant has not been reported in the literature in individuals affected with SLC19A2-related conditions. Algorithms developed to predict the effect of missense changes on protein structure and function are either unavailable or do not agree on the potential impact of this missense change (SIFT: "Tolerated"; PolyPhen-2: "Probably Damaging"; Align-GVGD: "Class C0"). In summary, the available evidence is currently insufficient to determine the role of this variant in disease. Therefore, it has been classified as a Variant of Uncertain Significance.